The following is an entry in ClinVar:

NM_001244008.2(KIF1A):c.5281G>T (p.Asp1761Tyr)

Gene: KIF1A (kinesin family member 1A; minus strand). Cytogenetic location: 2q37.3.
Variant type: single nucleotide variant.
Coding change: c.5281G>T on transcript NM_001244008.2 (MANE Select); coding-DNA position 5281, G replaced by T.
Protein change: p.Asp1761Tyr; replaces aspartic acid 1761 with tyrosine.
Molecular consequence: missense variant.
Genome position (GRCh38, 1-based): chr2:240,718,102, C>A on the plus strand (G>T on the coding strand, the complement: KIF1A is on the minus strand). VCF-style: chr2-240718102-C-A. GRCh37 (hg19) VCF-style: chr2-241657519-C-A.
Other names: c.5005G>T, p.Asp1669Tyr (NM_001379649.1, NM_001320705.2); c.4978G>T, p.Asp1660Tyr (NM_001379650.1, NM_001379651.1, NM_001379653.1 and 1 more transcripts); c.5002G>T, p.Asp1668Tyr (NM_001379654.1, NM_001379639.1); c.5032G>T, p.Asp1678Tyr (NM_001330289.2); c.5080G>T, p.Asp1694Tyr (NM_001330290.2, NM_001379648.1); c.5356G>T, p.Asp1786Tyr (NM_001379631.1); c.5257G>T, p.Asp1753Tyr (NM_001379632.1); c.5254G>T, p.Asp1752Tyr (NM_001379633.1, NM_001379645.1); and 8 more; short protein forms D1752Y, D1761Y, D1669Y, D1678Y, D1685Y, D1694Y, D1702Y, D1786Y.
Identifiers: ClinVar variation 2948401 (VCV002948401.3), dbSNP rs771804445, ClinGen allele CA351297469.
Genomic context (GRCh38, chr2:240,718,102, plus strand): 5'-GGCCCTACCGTATGGTCCCGGCCAGGAGGGGGTTGAAGGCGTACAGCCAGTCATGCATGT[C>A]CTTGTCGCTGGCGGCCTGCAGCAGGATGCCGCGGTGTTCCGTGCACACCGCGAATGTGTT-3'
Protein context (NP_001230937.1, residues 1751-1771): GILLQAASDK[Asp1761Tyr]MHDWLYAFNP

ClinVar aggregate classification (germline): Uncertain significance (1 of 4 stars; one submission).

Conditions:
Neuropathy, hereditary sensory, type 2C. Also called: KIF1A-Related HSAN2 (HSAN2C); Hereditary sensory and autonomic neuropathy type IIC. Identifiers: Orphanet 970, MedGen C3280168, MONDO:0013634, OMIM 614213.
Hereditary spastic paraplegia 30. Identifiers: Orphanet 101010, MedGen C5235139, MONDO:0012476.
Intellectual disability, autosomal dominant 9 (NESCAVS). Also called: NESCAV SYNDROME; KIF1A-Related Neurodevelopmental Disorder. Identifiers: Orphanet 662367, MedGen C5393830, MONDO:0013656, OMIM 614255.

Submission:

Labcorp Genetics (formerly Invitae), Labcorp
Classification: Uncertain significance for Hereditary spastic paraplegia 30; Neuropathy, hereditary sensory, type 2C; Intellectual disability, autosomal dominant 9. Last evaluated: 2023-10-15. Review status: criteria provided, single submitter. Criteria: Invitae Variant Classification Sherloc (09022015). Collection method: clinical testing. Allele origin: germline.
Comment: This sequence change replaces aspartic acid, which is acidic and polar, with tyrosine, which is neutral and polar, at codon 1660 of the KIF1A protein (p.Asp1660Tyr). This variant is not present in population databases (gnomAD no frequency). This variant has not been reported in the literature in individuals affected with KIF1A-related conditions. Advanced modeling of protein sequence and biophysical properties (such as structural, functional, and spatial information, amino acid conservation, physicochemical variation, residue mobility, and thermodynamic stability) performed at Invitae indicates that this missense variant is not expected to disrupt KIF1A protein function. In summary, the available evidence is currently insufficient to determine the role of this variant in disease. Therefore, it has been classified as a Variant of Uncertain Significance.